The following is an entry in ClinVar:

ClinVar aggregate classification (germline): Uncertain significance. Review status: criteria provided, multiple submitters, no conflicts (2 of 4 stars). 3 submissions from 3 submitters: Uncertain significance (3). Last evaluated 2026-06-02.

Submissions (3):

GeneDx
Classification: Uncertain significance. Last evaluated: 2026-06-02. Review status: criteria provided, single submitter. Criteria: GeneDx Variant Classification Process June 2021. Collection method: clinical testing. Allele origin: germline.
Comment: Not observed at significant frequency in large population cohorts (gnomAD); In silico analysis supports that this missense variant has a deleterious effect on protein structure/function; Has not been previously published as pathogenic or benign to our knowledge

Labcorp Genetics (formerly Invitae), Labcorp
Classification: Uncertain significance. Last evaluated: 2025-04-16. Review status: criteria provided, single submitter. Criteria: Invitae Variant Classification Sherloc (09022015). Collection method: clinical testing. Allele origin: germline.
Comment: This sequence change replaces arginine, which is basic and polar, with proline, which is neutral and non-polar, at codon 87 of the RP1 protein (p.Arg87Pro). This variant is not present in population databases (gnomAD no frequency). This variant has not been reported in the literature in individuals affected with RP1-related conditions. ClinVar contains an entry for this variant (Variation ID: 1952488). An algorithm developed to predict the effect of missense changes on protein structure and function (PolyPhen-2) suggests that this variant is likely to be disruptive. In summary, the available evidence is currently insufficient to determine the role of this variant in disease. Therefore, it has been classified as a Variant of Uncertain Significance.

Blueprint Genetics
Classification: Uncertain significance. Last evaluated: 2021-12-09. Review status: criteria provided, single submitter. Criteria: ACMG Guidelines, 2015. Collection method: clinical testing. Allele origin: germline.

NM_006269.2(RP1):c.260G>C (p.Arg87Pro)

Gene: RP1 (RP1 axonemal microtubule associated; plus strand). Cytogenetic location: 8q12.1.
Variant type: single nucleotide variant.
Coding change: c.260G>C on transcript NM_006269.2 (MANE Select); coding-DNA position 260, G replaced by C.
Protein change: p.Arg87Pro; replaces arginine 87 with proline.
Molecular consequence: missense variant.
Genome position (GRCh38, 1-based): chr8:54,621,226, G>C. VCF-style: chr8-54621226-G-C. GRCh37 (hg19) VCF-style: chr8-55533786-G-C.
Other names: c.260G>C (NM_006269.1); c.260G>C, p.Arg87Pro (NM_001375654.1); short protein forms R87P.
Identifiers: ClinVar variation 1952488 (VCV001952488.8), dbSNP rs1472645318, ClinGen allele CA370986084.